The following is an entry in ClinVar:

NM_004525.3(LRP2):c.13123A>G (p.Ile4375Val)

Gene: LRP2 (LDL receptor related protein 2; minus strand). Cytogenetic location: 2q31.1.
Variant type: single nucleotide variant.
Coding change: c.13123A>G on transcript NM_004525.3 (MANE Select); coding-DNA position 13123, A replaced by G.
Protein change: p.Ile4375Val; replaces isoleucine 4375 with valine.
Molecular consequence: missense variant.
Genome position (GRCh38, 1-based): chr2:169,140,531, T>C on the plus strand (A>G on the coding strand, the complement: LRP2 is on the minus strand). VCF-style: chr2-169140531-T-C. GRCh37 (hg19) VCF-style: chr2-169997041-T-C.
Other names: short protein forms I4375V.
Identifiers: ClinVar variation 1361203 (VCV001361203.3), dbSNP rs1248128976, ClinGen allele CA349158283.

ClinVar aggregate classification (germline): Uncertain significance (1 of 4 stars; one submission).

Allele frequency attached by ClinVar (database versions not stated): gnomAD exomes below 0.00001.
gnomAD v4.1: 2 of 1,613,884 alleles (0.00012%); highest among the groups gnomAD compares: Non-Finnish European, 0.00017%; no homozygotes.

Submission:

Labcorp Genetics (formerly Invitae), Labcorp
Classification: Uncertain significance. Last evaluated: 2022-08-20. Review status: criteria provided, single submitter. Criteria: Invitae Variant Classification Sherloc (09022015). Collection method: clinical testing. Allele origin: germline.
Comment: This sequence change replaces isoleucine, which is neutral and non-polar, with valine, which is neutral and non-polar, at codon 4375 of the LRP2 protein (p.Ile4375Val). This variant is not present in population databases (gnomAD no frequency). This variant has not been reported in the literature in individuals affected with LRP2-related conditions. ClinVar contains an entry for this variant (Variation ID: 1361203). Advanced modeling of protein sequence and biophysical properties (such as structural, functional, and spatial information, amino acid conservation, physicochemical variation, residue mobility, and thermodynamic stability) performed at Invitae indicates that this missense variant is not expected to disrupt LRP2 protein function. In summary, the available evidence is currently insufficient to determine the role of this variant in disease. Therefore, it has been classified as a Variant of Uncertain Significance.